The following is an entry in ClinVar:

ClinVar aggregate classification (germline): Uncertain significance. Review status: criteria provided, multiple submitters, no conflicts (2 of 4 stars). 2 submissions from 2 submitters: Uncertain significance (2). Last evaluated 2025-12-08.

Conditions:
Charcot-Marie-Tooth disease type 2. Also called: Charcot-Marie-Tooth type 2. Identifiers: Orphanet 64746, MedGen C0270914, MONDO:0018993.

Allele frequency attached by ClinVar (database versions not stated): TOPMed below 0.00001; gnomAD exomes below 0.00001.
gnomAD v4.1: 2 of 1,614,148 alleles (0.00012%); highest among the groups gnomAD compares: Admixed American, 0.0033%; no homozygotes.

Submissions (2):

Labcorp Genetics (formerly Invitae), Labcorp
Classification: Uncertain significance for Charcot-Marie-Tooth disease type 2. Last evaluated: 2025-12-08. Review status: criteria provided, single submitter. Criteria: Invitae Variant Classification Sherloc (09022015). Collection method: clinical testing. Allele origin: germline.
Comment: This sequence change replaces phenylalanine, which is neutral and non-polar, with valine, which is neutral and non-polar, at codon 1621 of the KIF1B protein (p.Phe1621Val). This variant is present in population databases (no rsID available, gnomAD 0.006%). This variant has not been reported in the literature in individuals affected with KIF1B-related conditions. ClinVar contains an entry for this variant (Variation ID: 2448701). An algorithm developed to predict the effect of missense changes on protein structure and function (PolyPhen-2) suggests that this variant is likely to be tolerated. In summary, the available evidence is currently insufficient to determine the role of this variant in disease. Therefore, it has been classified as a Variant of Uncertain Significance.

Ambry Genetics
Classification: Uncertain significance. Last evaluated: 2022-11-10. Review status: criteria provided, single submitter. Criteria: Ambry Variant Classification Scheme 2023. Collection method: clinical testing. Allele origin: germline.
Comment: The p.F1621V variant (also known as c.4861T>G), located in coding exon 43 of the KIF1B gene, results from a T to G substitution at nucleotide position 4861. The phenylalanine at codon 1621 is replaced by valine, an amino acid with highly similar properties. This amino acid position is conserved. In addition, the in silico prediction for this alteration is inconclusive. Since supporting evidence is limited at this time, the clinical significance of this alteration remains unclear.

NM_001365951.3(KIF1B):c.4999T>G (p.Phe1667Val)

Gene: KIF1B (kinesin family member 1B; plus strand). Cytogenetic location: 1p36.22.
Variant type: single nucleotide variant.
Coding change: c.4999T>G on transcript NM_001365951.3 (MANE Select); coding-DNA position 4999, T replaced by G.
Protein change: p.Phe1667Val; replaces phenylalanine 1667 with valine.
Molecular consequence: missense variant.
Genome position (GRCh38, 1-based): chr1:10,374,368, T>G. VCF-style: chr1-10374368-T-G. GRCh37 (hg19) VCF-style: chr1-10434426-T-G.
Other names: c.4999T>G, p.Phe1667Val (NM_001365952.1); c.4861T>G, p.Phe1621Val (NM_015074.3); short protein forms F1667V, F1621V.
Identifiers: ClinVar variation 2448701 (VCV002448701.4), dbSNP rs985319077, ClinGen allele CA338329024.